The following is an entry in ClinVar:

ClinVar aggregate classification (germline): Uncertain significance (1 of 4 stars; one submission).

Submission:

GeneDx
Classification: Uncertain significance. Last evaluated: 2024-04-06. Review status: criteria provided, single submitter. Criteria: GeneDx Variant Classification Process June 2021. Collection method: clinical testing. Allele origin: germline. Affected: yes.
Comment: Not observed at significant frequency in large population cohorts (gnomAD); In-frame deletion of 1 amino acids in a non-repeat region; In silico analysis supports a deleterious effect on protein structure/function; Has not been previously published as pathogenic or benign to our knowledge

NM_001368397.1(FRMPD4):c.3207_3209del (p.Ser1070del)

Gene: FRMPD4 (FERM and PDZ domain containing 4; plus strand). Cytogenetic location: Xp22.2.
Variant type: Deletion.
Coding change: c.3207_3209del on transcript NM_001368397.1 (MANE Select); coding-DNA positions 3207 to 3209, 3 bases deleted (TTC; older notation c.3207_3209delTTC).
Protein change: p.Ser1070del; deletes serine 1070.
Genome position (GRCh38, 1-based): chrX:12,718,033-12,718,035, TTC deleted; deleting any 3 consecutive bases within chrX:12,718,031-12,718,035 gives the same sequence; the c. name uses the placement nearest the transcript's 3' end. VCF-style (leftmost placement, unchanged base first): chrX-12718030-GTCT-G. GRCh37 (hg19) VCF-style: chrX-12736149-GTCT-G.
Other names: c.3318_3320del, p.Ser1107del (NM_001368395.3, NM_001368398.3); c.3213_3215del, p.Ser1072del (NM_001368396.3); c.3198_3200del, p.Ser1067del (NM_001368399.3); c.3087_3089del, p.Ser1030del (NM_001368400.3); c.3183_3185del, p.Ser1062del (NM_001368401.1, NM_001368402.3); c.3207_3209del, p.Ser1070del (NM_014728.3); short protein forms S1030del, S1062del, S1067del, S1070del, S1072del, S1107del.
Identifiers: ClinVar variation 3372000 (VCV003372000.1).